The following is an entry in ClinVar:

NM_014336.5(AIPL1):c.*1289G>A

Gene: AIPL1 (AIP like 1 HSP90 co-chaperone; minus strand). Cytogenetic location: 17p13.2.
Variant type: single nucleotide variant.
Coding change: c.*1289G>A on transcript NM_014336.5 (MANE Select); 1289 bases downstream of the stop codon, G replaced by A.
Molecular consequence: 3 prime UTR variant.
Genome position (GRCh38, 1-based): chr17:6,424,171, C>T on the plus strand (G>A on the coding strand, the complement: AIPL1 is on the minus strand). VCF-style: chr17-6424171-C-T. GRCh37 (hg19) VCF-style: chr17-6327491-C-T.
Other names: c.*1289G>A (NM_001033054.3, NM_001033055.3, NM_001285399.3 and 3 more transcripts).
Identifiers: ClinVar variation 324579 (VCV000324579.7), dbSNP rs11869118, ClinGen allele CA10640228.

ClinVar aggregate classification (germline): Likely benign. Review status: criteria provided, multiple submitters, no conflicts (2 of 4 stars). 2 submissions from 2 submitters: Likely benign (2). Last evaluated 2018-01-13.

Conditions:
Leber congenital amaurosis 4 (LCA4). Identifiers: MedGen C1858386, MONDO:0011458, OMIM 604393.

Allele frequency attached by ClinVar (database versions not stated): TOPMed 0.07408; 1000 Genomes Project 0.07508; 1000 Genomes Project 30x 0.07605; gnomAD exomes 0.11250.

Submissions (2):

Illumina Laboratory Services, Illumina
Classification: Likely benign for Leber congenital amaurosis 4. Last evaluated: 2018-01-13. Review status: criteria provided, single submitter. Criteria: ICSL Variant Classification Criteria 13 December 2019. Collection method: clinical testing. Allele origin: germline.
Comment: This variant was observed in the ICSL laboratory as part of a predisposition screen in an ostensibly healthy population. It had not been previously curated by ICSL or reported in the Human Gene Mutation Database (HGMD: prior to June 1st, 2018), and was therefore a candidate for classification through an automated scoring system. Utilizing variant allele frequency, disease prevalence and penetrance estimates, and inheritance mode, an automated score was calculated to assess if this variant is too frequent to cause the disease. Based on the score and internal cut-off values, a variant classified as likely benign is not then subjected to further curation. The score for this variant resulted in a classification of likely benign for this disease.

Breakthrough Genomics
Classification: Likely benign. Review status: criteria provided, single submitter. Criteria: ACMG Guidelines, 2015. Collection method: not provided. Allele origin: germline. Inheritance: Autosomal recessive inheritance. Affected: yes.